The following is an entry in ClinVar:

ClinVar aggregate classification (germline): Uncertain significance (1 of 4 stars; one submission).

Conditions:
Baller-Gerold syndrome (BGS). Also called: CRANIOSYNOSTOSIS WITH RADIAL DEFECTS. Identifiers: Orphanet 1225, MedGen C0265308, MONDO:0009039, OMIM 218600.

Submission:

Labcorp Genetics (formerly Invitae), Labcorp
Classification: Uncertain significance for Baller-Gerold syndrome. Last evaluated: 2025-07-07. Review status: criteria provided, single submitter. Criteria: Invitae Variant Classification Sherloc (09022015). Collection method: clinical testing. Allele origin: germline.
Comment: This sequence change replaces leucine, which is neutral and non-polar, with valine, which is neutral and non-polar, at codon 1089 of the RECQL4 protein (p.Leu1089Val). This variant is not present in population databases (gnomAD no frequency). This variant has not been reported in the literature in individuals affected with RECQL4-related conditions. ClinVar contains an entry for this variant (Variation ID: 664671). Invitae Evidence Modeling of protein sequence and biophysical properties (such as structural, functional, and spatial information, amino acid conservation, physicochemical variation, residue mobility, and thermodynamic stability) indicates that this missense variant is not expected to disrupt RECQL4 protein function with a negative predictive value of 80%. In summary, the available evidence is currently insufficient to determine the role of this variant in disease. Therefore, it has been classified as a Variant of Uncertain Significance.

NM_004260.4(RECQL4):c.3265C>G (p.Leu1089Val)

Gene: RECQL4 (RecQ like helicase 4; minus strand). Cytogenetic location: 8q24.3.
Variant type: single nucleotide variant.
Coding change: c.3265C>G on transcript NM_004260.4 (MANE Select); coding-DNA position 3265, C replaced by G.
Protein change: p.Leu1089Val; replaces leucine 1089 with valine.
Molecular consequence: missense variant.
Genome position (GRCh38, 1-based): chr8:144,512,039, G>C on the plus strand (C>G on the coding strand, the complement: RECQL4 is on the minus strand). VCF-style: chr8-144512039-G-C. GRCh37 (hg19) VCF-style: chr8-145737422-G-C.
Other names: short protein forms L1089V.
Identifiers: ClinVar variation 664671 (VCV000664671.6), dbSNP rs1350035847, ClinGen allele CA372669156.
Genomic context (GRCh38, chr8:144,512,039, plus strand): 5'-CAAAGTAGCGGCCGAGCAGGTCCTTGAGCCTGGTGCTGCGCTCCTCATCCTGCTGCTCCA[G>C]GCAGGGCCCGCAGCTGGGGAAGGCTACGCTGTGGGGAGGAGCCTGTCAGAGCTGATCACT-3'
Protein context (NP_004251.4, residues 1079-1099): SVAFPSCGPC[Leu1089Val]EQQDEERSTR